The following is an entry in ClinVar:

ClinVar aggregate classification (germline): Pathogenic (1 of 4 stars; one submission).

Conditions:
Multiple congenital exostosis (EXT). Also called: Multiple osteochondromas; MULTIPLE CARTILAGINOUS EXOSTOSES; Hereditary multiple exostoses; Hereditary multiple exostosis; Hereditary multiple osteochondromas; Multiple exostoses. Identifiers: Orphanet 321, MedGen C0015306, MONDO:0005508, HP:0002762.

Submission:

Labcorp Genetics (formerly Invitae), Labcorp
Classification: Pathogenic for Multiple congenital exostosis. Last evaluated: 2021-04-10. Review status: criteria provided, single submitter. Criteria: Invitae Variant Classification Sherloc (09022015). Collection method: clinical testing. Allele origin: germline.
Comment: This sequence change creates a premature translational stop signal (p.Tyr131*) in the EXT1 gene. It is expected to result in an absent or disrupted protein product. Loss-of-function variants in EXT1 are known to be pathogenic (PMID: 10679937, 11391482, 19810120). This variant is not present in population databases (ExAC no frequency). This variant has not been reported in the literature in individuals with EXT1-related conditions. For these reasons, this variant has been classified as Pathogenic.

Literature cited by the submitters: PubMed 10679937; PubMed 11391482; PubMed 19810120.

NM_000127.3(EXT1):c.393C>G (p.Tyr131Ter)

Gene: EXT1 (exostosin glycosyltransferase 1; minus strand). Cytogenetic location: 8q24.11.
Variant type: single nucleotide variant.
Coding change: c.393C>G on transcript NM_000127.3 (MANE Select); coding-DNA position 393, C replaced by G.
Protein change: p.Tyr131Ter; replaces tyrosine 131 with a stop codon.
Molecular consequence: nonsense.
Genome position (GRCh38, 1-based): chr8:118,110,654, G>C on the plus strand (C>G on the coding strand, the complement: EXT1 is on the minus strand). VCF-style: chr8-118110654-G-C. GRCh37 (hg19) VCF-style: chr8-119122893-G-C.
Other names: short protein forms Y131*.
Identifiers: ClinVar variation 1455002 (VCV001455002.6), dbSNP rs2130043699, ClinGen allele CA371915949.
Genomic context (GRCh38, chr8:118,110,654, plus strand): 5'-CGCCTGGCTGGGGTCCGAGGTGTAGAACCTGGAGCCCTCGATGGCCGCTAGAATGTTTTG[G>C]TAACTTTCGGCGATTTTCTCCCCTTTTTGCTGTGGGTATACGTAGACTTTGAAGCCGTTT-3'